The following is an entry in ClinVar:

ClinVar aggregate classification (germline): Likely benign (1 of 4 stars; one submission).

Allele frequency attached by ClinVar (database versions not stated): gnomAD exomes 0.00002; ExAC 0.00007; 1000 Genomes Project 30x 0.00016; 1000 Genomes Project 0.00020; gnomAD 0.00020; ESP Exome Variant Server 0.00038.
gnomAD v4.1: 55 of 1,614,176 alleles (0.0034%); highest among the groups gnomAD compares: African/African-American, 0.065%; no homozygotes.

Submission:

CeGaT Center for Human Genetics Tuebingen
Classification: Likely benign. Last evaluated: 2023-05-01. Review status: criteria provided, single submitter. Criteria: CeGaT Center For Human Genetics Tuebingen Variant Classification Criteria Version 2. Collection method: clinical testing. Allele origin: germline. Affected: yes. Observed: 1 variant allele.
Comment: TRAPPC6B: BP4, BP7

NM_001079537.2(TRAPPC6B):c.12G>A (p.Glu4=)

Gene: TRAPPC6B (trafficking protein particle complex subunit 6B; minus strand). Cytogenetic location: 14q21.1.
Variant type: single nucleotide variant.
Coding change: c.12G>A on transcript NM_001079537.2 (MANE Select); coding-DNA position 12, G replaced by A.
Protein change: p.Glu4=; no amino-acid change (glutamic acid 4 retained).
Molecular consequence: synonymous variant.
Genome position (GRCh38, 1-based): chr14:39,170,084, C>T on the plus strand (G>A on the coding strand, the complement: TRAPPC6B is on the minus strand). VCF-style: chr14-39170084-C-T. GRCh37 (hg19) VCF-style: chr14-39639288-C-T.
Other names: c.12G>A, p.Glu4= (NM_177452.4).
Identifiers: ClinVar variation 2644189 (VCV002644189.24), dbSNP rs142390878, ClinGen allele CA7162897.